The following is an entry in ClinVar:

ClinVar aggregate classification (germline): Uncertain significance (1 of 4 stars; one submission).

Submission:

Labcorp Genetics (formerly Invitae), Labcorp
Classification: Uncertain significance. Last evaluated: 2020-10-09. Review status: criteria provided, single submitter. Criteria: Invitae Variant Classification Sherloc (09022015). Collection method: clinical testing. Allele origin: germline.
Comment: Algorithms developed to predict the effect of missense changes on protein structure and function are either unavailable or do not agree on the potential impact of this missense change (SIFT: "Deleterious"; PolyPhen-2: "Possibly Damaging"; Align-GVGD: "Class C15"). In summary, the available evidence is currently insufficient to determine the role of this variant in disease. Therefore, it has been classified as a Variant of Uncertain Significance. This variant has not been reported in the literature in individuals with AHR-related conditions. This variant is not present in population databases (ExAC no frequency). This sequence change replaces alanine with aspartic acid at codon 133 of the AHR protein (p.Ala133Asp). The alanine residue is moderately conserved and there is a moderate physicochemical difference between alanine and aspartic acid.

NM_001621.5(AHR):c.398C>A (p.Ala133Asp)

Gene: AHR (aryl hydrocarbon receptor; plus strand). Cytogenetic location: 7p21.1.
Variant type: single nucleotide variant.
Coding change: c.398C>A on transcript NM_001621.5 (MANE Select); coding-DNA position 398, C replaced by A.
Protein change: p.Ala133Asp; replaces alanine 133 with aspartic acid.
Molecular consequence: missense variant.
Genome position (GRCh38, 1-based): chr7:17,327,796, C>A. VCF-style: chr7-17327796-C-A. GRCh37 (hg19) VCF-style: chr7-17367420-C-A.
Other names: short protein forms A133D.
Identifiers: ClinVar variation 1060326 (VCV001060326.9), dbSNP rs2115362581, ClinGen allele CA366891214.